The following is an entry in ClinVar:

NM_001458.5(FLNC):c.4378C>T (p.Arg1460Trp)

Gene: FLNC (filamin C; plus strand). Cytogenetic location: 7q32.1.
Variant type: single nucleotide variant.
Coding change: c.4378C>T on transcript NM_001458.5 (MANE Select); coding-DNA position 4378, C replaced by T.
Protein change: p.Arg1460Trp; replaces arginine 1460 with tryptophan.
Molecular consequence: missense variant.
Genome position (GRCh38, 1-based): chr7:128,847,786, C>T. VCF-style: chr7-128847786-C-T. GRCh37 (hg19) VCF-style: chr7-128487840-C-T.
Other names: c.4378C>T, p.Arg1460Trp (NM_001127487.2); short protein forms R1460W.
Identifiers: ClinVar variation 850775 (VCV000850775.16), dbSNP rs376265227, ClinGen allele CA4475323.

ClinVar aggregate classification (germline): Conflicting classifications of pathogenicity. Review status: criteria provided, conflicting classifications (1 of 4 stars). 5 submissions from 5 submitters: Uncertain significance (3); Likely benign (2). Last evaluated 2025-11-14.

Conditions:
Cardiovascular phenotype. Identifiers: MedGen CN230736.
Distal myopathy with posterior leg and anterior hand involvement. Also called: WILLIAMS DISTAL MYOPATHY. Identifiers: Orphanet 63273, MedGen C3279722, MONDO:0013550, OMIM 614065.
Myofibrillar myopathy 5. Also called: Filaminopathy (type); FILAMINOPATHY, AUTOSOMAL DOMINANT. Identifiers: Orphanet 171445, MedGen C1836050, MONDO:0012289, OMIM 609524.
Hypertrophic cardiomyopathy 26. Also called: Cardiomyopathy, familial hypertrophic, 26. Identifiers: Orphanet 75249, MedGen C4310749, MONDO:0014883, OMIM 617047.

Allele frequency attached by ClinVar (database versions not stated): gnomAD exomes below 0.00001; ExAC 0.00001; gnomAD 0.00001; TOPMed 0.00001; ESP Exome Variant Server 0.00008.
gnomAD v4.1: 7 of 1,613,616 alleles (0.00043%); highest among the groups gnomAD compares: African/African-American, 0.0013%; no homozygotes.

Submissions (5):

Labcorp Genetics (formerly Invitae), Labcorp
Classification: Likely benign for Distal myopathy with posterior leg and anterior hand involvement; Myofibrillar myopathy 5; Hypertrophic cardiomyopathy 26. Last evaluated: 2025-11-14. Review status: criteria provided, single submitter. Criteria: Invitae Variant Classification Sherloc (09022015). Collection method: clinical testing. Allele origin: germline.

GeneDx
Classification: Uncertain significance. Last evaluated: 2024-12-11. Review status: criteria provided, single submitter. Criteria: GeneDx Variant Classification Process June 2021. Collection method: clinical testing. Allele origin: germline. Affected: yes.
Comment: Not observed at significant frequency in large population cohorts (gnomAD); In silico analysis supports that this missense variant has a deleterious effect on protein structure/function; Has not been previously published as pathogenic or benign to our knowledge

Blueprint Genetics
Classification: Likely benign. Last evaluated: 2023-03-03. Review status: criteria provided, single submitter. Criteria: ACMG Guidelines, 2015. Collection method: clinical testing. Allele origin: germline.

Ambry Genetics
Classification: Uncertain significance for Cardiovascular phenotype. Last evaluated: 2021-12-29. Review status: criteria provided, single submitter. Criteria: Ambry Variant Classification Scheme 2023. Collection method: clinical testing. Allele origin: germline.
Comment: The p.R1460W variant (also known as c.4378C>T), located in coding exon 25 of the FLNC gene, results from a C to T substitution at nucleotide position 4378. The arginine at codon 1460 is replaced by tryptophan, an amino acid with dissimilar properties. This amino acid position is conserved. In addition, this alteration is predicted to be tolerated by in silico analysis. Since supporting evidence is limited at this time, the clinical significance of this alteration remains unclear.

Revvity Omics, Revvity
Classification: Uncertain significance. Last evaluated: 2019-07-18. Review status: criteria provided, single submitter. Criteria: ACMG Guidelines, 2015. Collection method: clinical testing. Allele origin: germline.